The following is an entry in ClinVar:

ClinVar aggregate classification (germline): Likely benign (1 of 4 stars; one submission).

gnomAD v4.1: 118 of 1,606,830 alleles (0.0073%); highest among the groups gnomAD compares: Non-Finnish European, 0.0093%; no homozygotes.

Submission:

CeGaT Center for Human Genetics Tuebingen
Classification: Likely benign. Last evaluated: 2024-08-01. Review status: criteria provided, single submitter. Criteria: CeGaT Center For Human Genetics Tuebingen Variant Classification Criteria Version 2. Collection method: clinical testing. Allele origin: germline. Affected: yes. Observed: 1 variant allele.
Comment: LIPE: BP4, BP7

NM_005357.4(LIPE):c.840T>C (p.His280=)

Genes: LIPE (lipase E, hormone sensitive type; minus strand), LIPE-AS1 (LIPE antisense RNA 1; plus strand). Cytogenetic location: 19q13.2.
Variant type: single nucleotide variant.
Coding change: c.840T>C on transcript NM_005357.4 (MANE Select); coding-DNA position 840, T replaced by C.
Protein change: p.His280=; no amino-acid change (histidine 280 retained).
Molecular consequence: synonymous variant.
Genome position (GRCh38, 1-based): chr19:42,426,310, A>G on the plus strand (T>C on the coding strand, the complement: LIPE is on the minus strand). VCF-style: chr19-42426310-A-G. GRCh37 (hg19) VCF-style: chr19-42930462-A-G.
Identifiers: ClinVar variation 3341750 (VCV003341750.16).
Genomic context (GRCh38, chr19:42,426,310, plus strand): 5'-TCCAGATTCACACTCACCTGTATCCTGGTAGTGTCTGTGATTCCGAGCACTGGTTTTCTC[A>G]TGTGGCGACGTCCCACTGTATCCTGACATCACTTTATAACCAGATTTTCCTTTGAAGCCT-3'
Protein context (NP_005348.2, residues 270-290): VMSGYSGTSP[His280=]EKTSARNHRH